The following is an entry in ClinVar:

NC_000007.13:g.(?_95812693)_(95813744_?)del

Gene: SLC25A13 (solute carrier family 25 member 13; minus strand). Cytogenetic location: 7q21.3.
Variant type: Deletion.
Identifiers: ClinVar variation 1458843 (VCV001458843.7).

ClinVar aggregate classification (germline): Pathogenic (1 of 4 stars; one submission).

Conditions:
Citrin deficiency. Identifiers: Orphanet 247582, MedGen C1997910, MONDO:0016602.

Submission:

Labcorp Genetics (formerly Invitae), Labcorp
Classification: Pathogenic for Citrin deficiency. Last evaluated: 2022-05-13. Review status: criteria provided, single submitter. Criteria: Invitae Variant Classification Sherloc (09022015). Collection method: clinical testing. Allele origin: germline.
Comment: This variant results in the deletion of part of exon 11 (c.1022_1177+896del) of the SLC25A13 gene. It is expected to disrupt RNA splicing. Variants that disrupt the donor or acceptor splice site typically lead to a loss of protein function (PMID: 16199547), and loss-of-function variants in SLC25A13 are known to be pathogenic (PMID: 10369257, 14680984, 27405544). This variant has been observed in individual(s) with neonatal intrahepatic cholestasis caused by citrin deficiency (PMID: 27779681). This variant is also known as c.1019_1177+893del. Studies have shown that this variant is associated with altered splicing resulting in multiple RNA products (PMID: 27779681). This variant disrupts a region of the SLC25A13 protein in which other variant(s) (p.Arg355Gly) have been determined to be pathogenic (PMID: 24069319, 27405544). This suggests that this is a clinically significant region of the protein, and that variants that disrupt it are likely to be disease-causing. For these reasons, this variant has been classified as Pathogenic.

Literature cited by the submitters: PubMed 16199547; PubMed 10369257; PubMed 14680984; PubMed 27405544; PubMed 27779681; PubMed 24069319.